The following is an entry in ClinVar:

ClinVar aggregate classification (germline): Uncertain significance (1 of 4 stars; one submission).

Submission:

GeneDx
Classification: Uncertain significance. Last evaluated: 2025-05-12. Review status: criteria provided, single submitter. Criteria: GeneDx Variant Classification Process June 2021. Collection method: clinical testing. Allele origin: germline. Affected: yes.
Comment: Not observed at significant frequency in large population cohorts (gnomAD); In silico analysis suggests that this missense variant does not alter protein structure/function; Has not been previously published as pathogenic or benign to our knowledge

NM_020699.4(GATAD2B):c.949T>C (p.Tyr317His)

Gene: GATAD2B (GATA zinc finger domain containing 2B; minus strand). Cytogenetic location: 1q21.3.
Variant type: single nucleotide variant.
Coding change: c.949T>C on transcript NM_020699.4 (MANE Select); coding-DNA position 949, T replaced by C.
Protein change: p.Tyr317His; replaces tyrosine 317 with histidine.
Molecular consequence: missense variant.
Genome position (GRCh38, 1-based): chr1:153,816,540, A>G on the plus strand (T>C on the coding strand, the complement: GATAD2B is on the minus strand). VCF-style: chr1-153816540-A-G. GRCh37 (hg19) VCF-style: chr1-153789016-A-G.
Other names: short protein forms Y317H.
Identifiers: ClinVar variation 4529999 (VCV004529999.1).